The following is an entry in ClinVar:

NM_004706.4(ARHGEF1):c.595A>G (p.Met199Val)

Gene: ARHGEF1 (Rho guanine nucleotide exchange factor 1; plus strand). Cytogenetic location: 19q13.2.
Variant type: single nucleotide variant.
Coding change: c.595A>G on transcript NM_004706.4 (MANE Select); coding-DNA position 595, A replaced by G.
Protein change: p.Met199Val; replaces methionine 199 with valine.
Molecular consequence: missense variant. On other transcripts: non-coding transcript variant (2).
Genome position (GRCh38, 1-based): chr19:41,892,830, A>G. VCF-style: chr19-41892830-A-G. GRCh37 (hg19) VCF-style: chr19-42396901-A-G.
Other names: c.595A>G, p.Met199Val (NM_001396000.1, NM_001396003.1, NM_001396006.1); c.496A>G, p.Met166Val (NM_001396002.1, NM_001396004.1, NM_198977.2); c.640A>G, p.Met214Val (NM_199002.2); short protein forms M166V, M199V, M214V.
Identifiers: ClinVar variation 3607738 (VCV003607738.2).

ClinVar aggregate classification (germline): Uncertain significance (1 of 4 stars; one submission).

Submission:

Labcorp Genetics (formerly Invitae), Labcorp
Classification: Uncertain significance. Last evaluated: 2026-01-22. Review status: criteria provided, single submitter. Criteria: Invitae Variant Classification Sherloc (09022015). Collection method: clinical testing. Allele origin: germline.
Comment: This sequence change replaces methionine, which is neutral and non-polar, with valine, which is neutral and non-polar, at codon 214 of the ARHGEF1 protein (p.Met214Val). This variant is not present in population databases (gnomAD no frequency). This variant has not been reported in the literature in individuals affected with ARHGEF1-related conditions. ClinVar contains an entry for this variant (Variation ID: 3607738). An algorithm developed to predict the effect of missense changes on protein structure and function (PolyPhen-2) suggests that this variant is likely to be tolerated. In summary, the available evidence is currently insufficient to determine the role of this variant in disease. Therefore, it has been classified as a Variant of Uncertain Significance.